The following is an entry in ClinVar:

NM_005337.5(NCKAP1L):c.172A>G (p.Ile58Val)

Gene: NCKAP1L (NCK associated protein 1 like; plus strand). Cytogenetic location: 12q13.13.
Variant type: single nucleotide variant.
Coding change: c.172A>G on transcript NM_005337.5 (MANE Select); coding-DNA position 172, A replaced by G.
Protein change: p.Ile58Val; replaces isoleucine 58 with valine.
Molecular consequence: missense variant.
Genome position (GRCh38, 1-based): chr12:54,499,424, A>G. VCF-style: chr12-54499424-A-G. GRCh37 (hg19) VCF-style: chr12-54893208-A-G.
Other names: c.22A>G, p.Ile8Val (NM_001184976.2); short protein forms I58V, I8V.
Identifiers: ClinVar variation 2067313 (VCV002067313.7), dbSNP rs148094880, ClinGen allele CA6608727.

ClinVar aggregate classification (germline): Likely benign. Review status: criteria provided, multiple submitters, no conflicts (2 of 4 stars). 2 submissions from 2 submitters: Likely benign (2). Last evaluated 2026-02-04.

Allele frequency attached by ClinVar (database versions not stated): 1000 Genomes Project 0.00020; ExAC 0.00030; ESP Exome Variant Server 0.00108; gnomAD 0.00109; TOPMed 0.00126; gnomAD exomes 0.00009; 1000 Genomes Project 30x 0.00016.
gnomAD v4.1: 307 of 1,611,718 alleles (0.019%); highest among the groups gnomAD compares: African/African-American, 0.37%; no homozygotes.

Submissions (3):

Women's Health and Genetics/Laboratory Corporation of America, LabCorp
Classification: Likely benign. Last evaluated: 2026-02-04. Review status: criteria provided, single submitter. Criteria: LabCorp Variant Classification Summary - May 2015. Collection method: clinical testing. Allele origin: germline.
Comment: Variant summary: NCKAP1L c.172A>G (p.Ile58Val) results in a conservative amino acid change in the encoded protein sequence. Algorithms developed to predict the effect of missense changes on protein structure and function are either unavailable or do not agree on the potential impact of this missense change. The variant allele was found at a frequency of 0.00023 in 251456 control chromosomes, predominantly at a frequency of 0.0033 within the African or African-American subpopulation in the gnomAD database. The observed variant frequency within African or African-American control individuals in the gnomAD database exceeds the estimated maximal expected allele frequency for disease-causing variants in NCKAP1L. To our knowledge, no occurrence of c.172A>G in individuals affected with NCKAP1L-related conditions and no experimental evidence demonstrating its impact on protein function have been reported. ClinVar contains an entry for this variant (Variation ID: 2067313). Based on the evidence outlined above, the variant was classified as likely benign.

Labcorp Genetics (formerly Invitae), Labcorp
Classification: Likely benign. Last evaluated: 2025-12-17. Review status: criteria provided, single submitter. Criteria: Invitae Variant Classification Sherloc (09022015). Collection method: clinical testing. Allele origin: germline.

Dr. Peter K. Rogan Lab, Western University
No classification provided (evidence only). Condition: Acute myeloid leukemia. Review status: no classification provided. Collection method: in vitro. Allele origin: not applicable. Functional consequence: retained intron. Not counted in ClinVar's aggregate classification.